The following is an entry in ClinVar:

NM_005359.6(SMAD4):c.898C>G (p.His300Asp)

Gene: SMAD4 (SMAD family member 4; plus strand). Cytogenetic location: 18q21.2.
Variant type: single nucleotide variant.
Coding change: c.898C>G on transcript NM_005359.6 (MANE Select); coding-DNA position 898, C replaced by G.
Protein change: p.His300Asp; replaces histidine 300 with aspartic acid.
Molecular consequence: missense variant. On other transcripts: non-coding transcript variant (2).
Genome position (GRCh38, 1-based): chr18:51,058,450, C>G. VCF-style: chr18-51058450-C-G. GRCh37 (hg19) VCF-style: chr18-48584820-C-G.
Other names: c.898C>G, p.His300Asp (NM_001407041.1, NM_001407042.1, NM_001407043.1); short protein forms H300D.
Identifiers: ClinVar variation 2768903 (VCV002768903.3), dbSNP rs963931106, ClinGen allele CA300086517.
Genomic context (GRCh38, chr18:51,058,450, plus strand): 5'-TTGCCTCACCACCAAAACGGCCATCTTCAGCACCACCCGCCTATGCCGCCCCATCCCGGA[C>G]ATTACTGTAAGCTCTTGTTTTTGTTGTAAGGGCTATTTTTTTTTTTTTTTTGGTAGGGCT-3'
Protein context (NP_005350.1, residues 290-310): HHPPMPPHPG[His300Asp]YWPVHNELAF

ClinVar aggregate classification (germline): Uncertain significance (1 of 4 stars; one submission).

Conditions:
Juvenile polyposis syndrome (JPS). Identifiers: Orphanet 2929, MedGen C0345893, MONDO:0017380, OMIM 174900.

Allele frequency attached by ClinVar (database versions not stated): TOPMed below 0.00001.

Submission:

Labcorp Genetics (formerly Invitae), Labcorp
Classification: Uncertain significance for Juvenile polyposis syndrome. Last evaluated: 2023-10-16. Review status: criteria provided, single submitter. Criteria: Invitae Variant Classification Sherloc (09022015). Collection method: clinical testing. Allele origin: germline.
Comment: This sequence change replaces histidine, which is basic and polar, with aspartic acid, which is acidic and polar, at codon 300 of the SMAD4 protein (p.His300Asp). This variant is not present in population databases (gnomAD no frequency). This variant has not been reported in the literature in individuals affected with SMAD4-related conditions. Advanced modeling of protein sequence and biophysical properties (such as structural, functional, and spatial information, amino acid conservation, physicochemical variation, residue mobility, and thermodynamic stability) has been performed at Invitae for this missense variant, however the output from this modeling did not meet the statistical confidence thresholds required to predict the impact of this variant on SMAD4 protein function. In summary, the available evidence is currently insufficient to determine the role of this variant in disease. Therefore, it has been classified as a Variant of Uncertain Significance.